The following is an entry in ClinVar:

NM_001267550.2(TTN):c.63960T>A (p.Val21320=)

Genes: TTN (titin; minus strand), TTN-AS1 (TTN antisense RNA 1; plus strand). Cytogenetic location: 2q31.2.
Variant type: single nucleotide variant.
Coding change: c.63960T>A on transcript NM_001267550.2 (MANE Select); coding-DNA position 63960, T replaced by A.
Protein change: p.Val21320=; no amino-acid change (valine 21320 retained).
Molecular consequence: synonymous variant.
Genome position (GRCh38, 1-based): chr2:178,587,251, A>T on the plus strand (T>A on the coding strand, the complement: TTN is on the minus strand). VCF-style: chr2-178587251-A-T. GRCh37 (hg19) VCF-style: chr2-179451978-A-T.
Other names: c.36765T>A, p.Val12255= (NM_003319.4); c.37140T>A, p.Val12380= (NM_133432.3); c.37341T>A, p.Val12447= (NM_133437.4); c.59037T>A, p.Val19679= (NM_001256850.1); c.56256T>A, p.Val18752= (NM_133378.4).
Identifiers: ClinVar variation 47203 (VCV000047203.32), dbSNP rs397517655, ClinGen allele CA140318.
Genomic context (GRCh38, chr2:178,587,251, plus strand): 5'-TACTCTGAAGTAATACTCATTCCCAGGGACAAGATTGGTTACATGGAAGCTTGTTTTCTT[A>T]ACTTCTGGGGTAACGGTCGACCATGTCTTTCTGTCTGCCTCACGTTTCTCCACGATATAA-3'
Protein context (NP_001254479.2, residues 21310-21330): RKTWSTVTPE[Val21320=]KKTSFHVTNL

ClinVar aggregate classification (germline): Conflicting classifications of pathogenicity. Review status: criteria provided, conflicting classifications (1 of 4 stars). 12 submissions from 12 submitters: Uncertain significance (1); Likely benign (8). 3 of the submissions do not count toward it. Last evaluated 2026-01-10.

Conditions:
Cardiovascular phenotype. Identifiers: MedGen CN230736.
Autosomal recessive limb-girdle muscular dystrophy type 2J (LGMDR10). Also called: Limb-girdle muscular dystrophy, type 2J; MUSCULAR DYSTROPHY, LIMB-GIRDLE, AUTOSOMAL RECESSIVE 10. Identifiers: Orphanet 140922, MedGen C1837342, MONDO:0012127, OMIM 608807.
Dilated cardiomyopathy 1G (CMD1G). Identifiers: Orphanet 154, MedGen C1858763, MONDO:0011400, OMIM 604145.
Cardiomyopathy (CMYO). Also called: Cardiomyopathies. Identifiers: Orphanet 167848, MedGen C0878544, MONDO:0004994, HP:0001638. Inheritance: Various modes of inheritance.

Allele frequency attached by ClinVar (database versions not stated): ExAC 0.00002; gnomAD exomes 0.00004 and 0.00011; gnomAD 0.00009 and 0.00010; TOPMed 0.00010.
gnomAD v4.1: 171 of 1,613,080 alleles (0.011%); highest among the groups gnomAD compares: Non-Finnish European, 0.013%; no homozygotes.

Submissions (12):

Labcorp Genetics (formerly Invitae), Labcorp
Classification: Likely benign for Dilated cardiomyopathy 1G; Autosomal recessive limb-girdle muscular dystrophy type 2J. Last evaluated: 2026-01-10. Review status: criteria provided, single submitter. Criteria: Invitae Variant Classification Sherloc (09022015). Collection method: clinical testing. Allele origin: germline.

Blueprint Genetics
Classification: Likely benign. Last evaluated: 2024-08-05. Review status: criteria provided, single submitter. Criteria: ACMG Guidelines, 2015. Collection method: clinical testing. Allele origin: germline.

Women's Health and Genetics/Laboratory Corporation of America, LabCorp
Classification: Likely benign. Last evaluated: 2020-09-24. Review status: criteria provided, single submitter. Criteria: LabCorp Variant Classification Summary - May 2015. Collection method: clinical testing. Allele origin: germline.

Athena Diagnostics
Classification: Likely benign. Last evaluated: 2020-03-31. Review status: criteria provided, single submitter. Criteria: Athena Diagnostics Criteria. Collection method: clinical testing. Allele origin: unknown.

CHEO Genetics Diagnostic Laboratory, Children's Hospital of Eastern Ontario
Classification: Likely benign for Cardiomyopathy. Last evaluated: 2019-09-16. Review status: criteria provided, single submitter. Criteria: ACMG Guidelines, 2015. Collection method: clinical testing. Allele origin: germline. Study: Canadian Open Genetics Repository.

Ambry Genetics
Classification: Likely benign for Cardiovascular phenotype. Last evaluated: 2018-11-28. Review status: criteria provided, single submitter. Criteria: Ambry Variant Classification Scheme 2023. Collection method: clinical testing. Allele origin: germline.

GeneDx
Classification: Likely benign. Last evaluated: 2017-09-12. Review status: criteria provided, single submitter. Criteria: GeneDx Variant Classification (06012015). Collection method: clinical testing. Allele origin: germline. Affected: yes.
Comment: This variant is considered likely benign or benign based on one or more of the following criteria: it is a conservative change, it occurs at a poorly conserved position in the protein, it is predicted to be benign by multiple in silico algorithms, and/or has population frequency not consistent with disease.

Eurofins Ntd Llc (ga)
Classification: Uncertain significance. Last evaluated: 2017-04-19. Review status: criteria provided, single submitter. Criteria: EGL Classification Definitions 2015. Collection method: clinical testing. Allele origin: germline. Observed: 1 variant allele, 1 heterozygote.

Laboratory for Molecular Medicine, Mass General Brigham Personalized Medicine
Classification: Likely benign. Last evaluated: 2012-05-31. Review status: criteria provided, single submitter. Criteria: LMM Criteria. Collection method: clinical testing. Allele origin: germline. Observed: 1 variant allele.
Comment: Val18752Val in exon 256 of TTN: This variant is not expected to have clinical si gnificance because it does not alter an amino acid residue and is not located wi thin the splice consensus sequence. Val18752Val in exon 256 of TTN (allele freq uency = n/a)

Clinical Genetics, Academic Medical Center
Classification: Likely benign. Review status: no assertion criteria provided. Collection method: clinical testing. Allele origin: germline. Affected: yes. Study: VKGL Data-share Consensus. Not counted in ClinVar's aggregate classification.

Genome Diagnostics Laboratory, University Medical Center Utrecht
Classification: Likely benign. Review status: no assertion criteria provided. Collection method: clinical testing. Allele origin: germline. Affected: yes. Study: VKGL Data-share Consensus. Not counted in ClinVar's aggregate classification.

Joint Genome Diagnostic Labs from Nijmegen and Maastricht, Radboudumc and MUMC+
Classification: Likely benign. Review status: no assertion criteria provided. Collection method: clinical testing. Allele origin: germline. Affected: yes. Study: VKGL Data-share Consensus. Not counted in ClinVar's aggregate classification.